The following is an entry in ClinVar:

ClinVar aggregate classification (germline): Conflicting classifications of pathogenicity. Review status: criteria provided, conflicting classifications (1 of 4 stars). 2 submissions from 2 submitters: Uncertain significance (1); Likely benign (1). Last evaluated 2025-10-23.

Conditions:
Cardiovascular phenotype. Identifiers: MedGen CN230736.
Hereditary cancer-predisposing syndrome. Also called: Neoplastic Syndromes, Hereditary; Tumor predisposition; Hereditary neoplastic syndrome; Hereditary Cancer Syndrome. Identifiers: Orphanet 140162, MedGen C0027672, MeSH D009386, MONDO:0015356.

gnomAD v4.1: 2 of 1,613,860 alleles (0.00012%); highest among the groups gnomAD compares: Non-Finnish European, 0.00017%; no homozygotes.

Submissions (2):

Dasa
Classification: Uncertain significance. Last evaluated: 2025-10-23. Review status: criteria provided, single submitter. Criteria: DASA Assertion Criteria. Collection method: clinical testing. Allele origin: germline.
Comment: NM_001042492.3(NF1):c.3357A>G (p.Glu1119=) is a synonymous variant predicted not to alter the encoded amino acid sequence. This variant is rare in population databases. The currently available literature and clinical evidence are not sufficient to establish a definitive association between this variant and the reported condition. Therefore, this variant is classified as a variant of uncertain significance.

Ambry Genetics
Classification: Likely benign for Cardiovascular phenotype; Hereditary cancer-predisposing syndrome. Last evaluated: 2025-09-23. Review status: criteria provided, single submitter. Criteria: Ambry Variant Classification Scheme 2023. Collection method: clinical testing. Allele origin: germline.

NM_001042492.3(NF1):c.3357A>G (p.Glu1119=)

Gene: NF1 (neurofibromin 1; plus strand). Cytogenetic location: 17q11.2.
Variant type: single nucleotide variant.
Coding change: c.3357A>G on transcript NM_001042492.3 (MANE Select); coding-DNA position 3357, A replaced by G.
Protein change: p.Glu1119=; no amino-acid change (glutamic acid 1119 retained).
Molecular consequence: synonymous variant.
Genome position (GRCh38, 1-based): chr17:31,232,742, A>G. VCF-style: chr17-31232742-A-G. GRCh37 (hg19) VCF-style: chr17-29559760-A-G.
Other names: c.3357A>G, p.Glu1119= (NM_000267.4).
Identifiers: ClinVar variation 4615724 (VCV004615724.3).